The following is an entry in ClinVar:

ClinVar aggregate classification (germline): Uncertain significance. Review status: criteria provided, single submitter (1 of 4 stars). 2 submissions from 2 submitters: Uncertain significance (1). 1 of the submissions does not count toward it. Last evaluated 2023-05-15.

Conditions:
Osteogenesis imperfecta type I (OI1). Also called: OI, TYPE I; OSTEOGENESIS IMPERFECTA TARDA; OSTEOGENESIS IMPERFECTA WITH BLUE SCLERAE; Osteogenesis imperfecta type 1; Lobstein's Disease; Lobstein disease. Identifiers: Orphanet 216796, Orphanet 666, MedGen C0023931, MONDO:0008146, OMIM 166200. Disease mechanism: loss of function.
Ehlers-Danlos syndrome, classic type, 1 (EDSCL1). Also called: EHLERS-DANLOS SYNDROME, GRAVIS TYPE; EHLERS-DANLOS SYNDROME, SEVERE CLASSIC TYPE; Ehlers-Danlos syndrome, type 1; EDS I; Ehlers-Danlos Syndrome, Classic Type, COL5A1-Related. Identifiers: MedGen C0268335, MONDO:0019567, OMIM 130000.
Ehlers-Danlos syndrome, cardiac valvular type. Identifiers: Orphanet 230851, MedGen C4303789, MONDO:0009159, OMIM 225320.

Submissions (2):

Labcorp Genetics (formerly Invitae), Labcorp
Classification: Uncertain significance for Osteogenesis imperfecta type I; Ehlers-Danlos syndrome, classic type, 1. Last evaluated: 2023-05-15. Review status: criteria provided, single submitter. Criteria: Invitae Variant Classification Sherloc (09022015). Collection method: clinical testing. Allele origin: germline.
Comment: In summary, the available evidence is currently insufficient to determine the role of this variant in disease. Therefore, it has been classified as a Variant of Uncertain Significance. Advanced modeling of protein sequence and biophysical properties (such as structural, functional, and spatial information, amino acid conservation, physicochemical variation, residue mobility, and thermodynamic stability) performed at Invitae indicates that this missense variant is not expected to disrupt COL1A2 protein function. ClinVar contains an entry for this variant (Variation ID: 1362946). This variant has not been reported in the literature in individuals affected with COL1A2-related conditions. This variant is not present in population databases (gnomAD no frequency). This sequence change replaces glutamine, which is neutral and polar, with arginine, which is basic and polar, at codon 114 of the COL1A2 protein (p.Gln114Arg).

Zotz-Klimas Genetics Lab, MVZ Zotz Klimas
Classification: Uncertain significance for Ehlers-Danlos syndrome, cardiac valvular type. Last evaluated: 2023-10-09. Review status: no assertion criteria provided. Collection method: clinical testing. Allele origin: germline. Affected: yes. Not counted in ClinVar's aggregate classification.

NM_000089.4(COL1A2):c.341A>G (p.Gln114Arg)

Gene: COL1A2 (collagen type I alpha 2 chain; plus strand). Cytogenetic location: 7q21.3.
Variant type: single nucleotide variant.
Coding change: c.341A>G on transcript NM_000089.4 (MANE Select); coding-DNA position 341, A replaced by G.
Protein change: p.Gln114Arg; replaces glutamine 114 with arginine.
Molecular consequence: missense variant.
Genome position (GRCh38, 1-based): chr7:94,404,709, A>G. VCF-style: chr7-94404709-A-G. GRCh37 (hg19) VCF-style: chr7-94034021-A-G.
Other names: c.341A>G (NM_000089.3); short protein forms Q114R.
Identifiers: ClinVar variation 1362946 (VCV001362946.7), dbSNP rs2115875606, ClinGen allele CA368219556.